The following is an entry in ClinVar:

ClinVar aggregate classification (germline): Likely benign. Review status: criteria provided, multiple submitters, no conflicts (2 of 4 stars). 3 submissions from 3 submitters: Likely benign (3). Last evaluated 2025-08-18.

Allele frequency attached by ClinVar (database versions not stated): ESP Exome Variant Server 0.00015; 1000 Genomes Project 30x 0.00016; 1000 Genomes Project 0.00020; gnomAD 0.00020 and 0.00021; ExAC 0.00022; TOPMed 0.00022; gnomAD exomes 0.00023.
gnomAD v4.1: 476 of 1,613,504 alleles (0.03%); highest among the groups gnomAD compares: Middle Eastern, 0.066%; 1 homozygote.

Submissions (3):

Labcorp Genetics (formerly Invitae), Labcorp
Classification: Likely benign. Last evaluated: 2025-08-18. Review status: criteria provided, single submitter. Criteria: Invitae Variant Classification Sherloc (09022015). Collection method: clinical testing. Allele origin: germline.

Blueprint Genetics
Classification: Likely benign. Last evaluated: 2024-05-30. Review status: criteria provided, single submitter. Criteria: ACMG Guidelines, 2015. Collection method: clinical testing. Allele origin: germline.

GeneDx
Classification: Likely benign. Last evaluated: 2017-11-28. Review status: criteria provided, single submitter. Criteria: GeneDx Variant Classification (06012015). Collection method: clinical testing. Allele origin: germline. Affected: yes.
Comment: This variant is considered likely benign or benign based on one or more of the following criteria: it is a conservative change, it occurs at a poorly conserved position in the protein, it is predicted to be benign by multiple in silico algorithms, and/or has population frequency not consistent with disease.

NM_018451.5(CPAP):c.3478-19T>C

Genes: CPAP (centrosome assembly and centriole elongation protein; minus strand), RNF17 (ring finger protein 17; plus strand). Cytogenetic location: 13q12.12.
Variant type: single nucleotide variant.
Coding change: c.3478-19T>C on transcript NM_018451.5 (MANE Select); 19 bases into the intron before coding-DNA position 3478, T replaced by C.
Molecular consequence: intron variant.
Genome position (GRCh38, 1-based): chr13:24,884,482, A>G on the plus strand (T>C on the coding strand, the complement: CPAP is on the minus strand). VCF-style: chr13-24884482-A-G. GRCh37 (hg19) VCF-style: chr13-25458620-A-G.
Identifiers: ClinVar variation 513782 (VCV000513782.10), dbSNP rs375417441, ClinGen allele CA6919262.